The following is an entry in ClinVar:

NM_001323289.2(CDKL5):c.1432_1433insT (p.Arg478fs)

Gene: CDKL5 (cyclin dependent kinase like 5; plus strand). Cytogenetic location: Xp22.13.
Variant type: Insertion.
Coding change: c.1432_1433insT on transcript NM_001323289.2 (MANE Select); coding-DNA positions 1432 to 1433, T inserted.
Protein change: p.Arg478fs; shifts the reading frame from arginine 478.
Molecular consequence: frameshift variant.
Genome position: GRCh38 VCF-style: chrX-18604356-A-AT. GRCh37 (hg19) VCF-style: chrX-18622476-A-AT.
Other names: NM_001323289.2(CDKL5):c.1432_1433insT; p.Arg478fs; c.1432_1433insT, p.Arg478fs (NM_001037343.2, NM_003159.3); short protein forms R478fs.
Identifiers: ClinVar variation 189558 (VCV000189558.3), dbSNP rs786204971, ClinGen allele CA235609.
Genomic context (GRCh38, chrX:18,604,356, plus strand): 5'-CTGCAGCCCAATGAAAAGCAGAGTCGGCATAGCTATATTGACACAATTCCCCAGTCCTCT[A>AT]GGAGTCCCTCCTACAGGACCAAGGCCAAAAGCCATGGGGCACTGAGTGACTCCAAGTCTG-3'

ClinVar aggregate classification (germline): Likely pathogenic. Review status: criteria provided, single submitter (1 of 4 stars). 2 submissions from 2 submitters: Likely pathogenic (1). 1 of the submissions does not count toward it. Last evaluated 2024-09-13.

Conditions:
CDKL5 disorder. Identifiers: MedGen CN296942, MONDO:0100039.

Submissions (2):

Centre for Population Genomics, CPG
Classification: Likely pathogenic for CDKL5 disorder. Last evaluated: 2024-09-13. Review status: criteria provided, single submitter. Criteria: McKnight et al. (Hum Mutat. 2022). Collection method: curation. Allele origin: germline. Inheritance: X-linked inheritance.
Comment: This variant has been collected from RettBASE and curated to current modified ACMG/AMP criteria. Based on the classification scheme defined by the ClinGen Rett/Angelman-like Expert Panel for Rett/AS-like Disorders Specifications to the ACMG/AMP Variant Interpretation Guidelines VCEP 3.0, this variant is classified as likely pathogenic. At least the following criteria are met: Predicted to result in loss of function, and LOF is a known mechanism of disease (PVS1). This variant is absent from gnomAD (PM2_Supporting). Has been observed in at least 1 individual with phenotypes consistent with CDKL5 disorder (PMID: 23064044).

RettBASE
Classification: Pathogenic. Last evaluated: 2014-03-13. Review status: no assertion criteria provided. Collection method: curation. Allele origin: unknown. Observed: 1 variant allele. Not counted in ClinVar's aggregate classification.

Literature cited by the submitters: PubMed 23064044 (cited by RettBASE).